The following is an entry in ClinVar:

ClinVar aggregate classification (germline): Likely pathogenic (1 of 4 stars; one submission).

gnomAD v4.1: 1 of 1,613,456 alleles (0.000062%); highest among the groups gnomAD compares: Admixed American, 0.0017%; no homozygotes.

Submission:

Labcorp Genetics (formerly Invitae), Labcorp
Classification: Likely pathogenic. Last evaluated: 2024-08-22. Review status: criteria provided, single submitter. Criteria: Invitae Variant Classification Sherloc (09022015). Collection method: clinical testing. Allele origin: germline.
Comment: This sequence change affects an acceptor splice site in intron 5 of the TANGO2 gene. It is expected to disrupt RNA splicing. Variants that disrupt the donor or acceptor splice site typically lead to a loss of protein function (PMID: 16199547), and loss-of-function variants in TANGO2 are known to be pathogenic (PMID: 26805781, 26805782). This variant is not present in population databases (gnomAD no frequency). Disruption of this splice site has been observed in individual(s) with clinical features of TANGO2-related conditions (PMID: 36896643). ClinVar contains an entry for this variant (Variation ID: 1468060). Algorithms developed to predict the effect of sequence changes on RNA splicing suggest that this variant may disrupt the consensus splice site. In summary, the currently available evidence indicates that the variant is pathogenic, but additional data are needed to prove that conclusively. Therefore, this variant has been classified as Likely Pathogenic.

Literature cited by the submitters: PubMed 16199547; PubMed 26805781; PubMed 26805782; PubMed 36896643.

NM_152906.7(TANGO2):c.381-2A>G

Gene: TANGO2 (transport and golgi organization 2 homolog; plus strand). Cytogenetic location: 22q11.21.
Variant type: single nucleotide variant.
Coding change: c.381-2A>G on transcript NM_152906.7 (MANE Select); the canonical splice acceptor site of the intron before coding-DNA position 381, A replaced by G.
Molecular consequence: splice acceptor variant. On other transcripts: intron variant (11).
Genome position (GRCh38, 1-based): chr22:20,055,941, A>G. VCF-style: chr22-20055941-A-G. GRCh37 (hg19) VCF-style: chr22-20043464-A-G.
Other names: c.381-2A>G (NM_001283106.3, NM_001283154.3, NM_001322142.2 and 2 more transcripts); c.265+3357A>G (NM_001322163.2, NM_001283179.3, NM_001322167.2 and 4 more transcripts); c.87-2A>G (NM_001322174.2, NM_001322172.2, NM_001322175.2 and 6 more transcripts); c.279-2A>G (NM_001322160.2, NM_001322146.2, NM_001322148.2); c.504-2A>G (NM_001322143.2, NM_001322141.2, NM_001283129.3 and 2 more transcripts); c.388+3357A>G (NM_001322145.2, NM_001322147.2); c.380+2390A>G (NM_001283199.3); c.503+2390A>G (NM_001322149.2).
Identifiers: ClinVar variation 1468060 (VCV001468060.6), dbSNP rs2147635738, ClinGen allele CA410697408.